The following is an entry in ClinVar:

NM_000038.6(APC):c.3517G>A (p.Val1173Met)

Gene: APC (APC regulator of Wnt signaling pathway; plus strand). Cytogenetic location: 5q22.2.
Variant type: single nucleotide variant.
Coding change: c.3517G>A on transcript NM_000038.6 (MANE Select); coding-DNA position 3517, G replaced by A.
Protein change: p.Val1173Met; replaces valine 1173 with methionine.
Molecular consequence: missense variant.
Genome position (GRCh38, 1-based): chr5:112,839,111, G>A. VCF-style: chr5-112839111-G-A. GRCh37 (hg19) VCF-style: chr5-112174808-G-A.
Other names: c.3517G>A, p.Val1173Met (NM_001127510.3, NM_001354895.2); c.3463G>A, p.Val1155Met (NM_001127511.3); c.3571G>A, p.Val1191Met (NM_001354896.2); c.3547G>A, p.Val1183Met (NM_001354897.2); c.3442G>A, p.Val1148Met (NM_001354898.2); c.3433G>A, p.Val1145Met (NM_001354899.2); c.3394G>A, p.Val1132Met (NM_001354900.2); c.3340G>A, p.Val1114Met (NM_001354901.2); and 5 more; short protein forms V1072M, V1145M, V1183M, V890M, V1047M, V1082M, V1191M, V1148M.
Identifiers: ClinVar variation 823873 (VCV000823873.15), dbSNP rs1580636465, ClinGen allele CA16029057.

ClinVar aggregate classification (germline): Uncertain significance. Review status: criteria provided, multiple submitters, no conflicts (2 of 4 stars). 2 submissions from 2 submitters: Uncertain significance (2). Last evaluated 2025-03-21.

Conditions:
Hereditary cancer-predisposing syndrome. Also called: Neoplastic Syndromes, Hereditary; Tumor predisposition; Hereditary neoplastic syndrome; Hereditary Cancer Syndrome. Identifiers: Orphanet 140162, MedGen C0027672, MeSH D009386, MONDO:0015356.
Familial adenomatous polyposis 1 (FAP1). Also called: POLYPOSIS, ADENOMATOUS INTESTINAL; FAMILIAL ADENOMATOUS POLYPOSIS 1, ATTENUATED. Identifiers: MedGen C2713442, MONDO:0021056, OMIM 175100. Disease mechanism: loss of function.

Submissions (2):

Ambry Genetics
Classification: Uncertain significance for Hereditary cancer-predisposing syndrome. Last evaluated: 2025-03-21. Review status: criteria provided, single submitter. Criteria: Ambry Variant Classification Scheme 2023. Collection method: clinical testing. Allele origin: germline.
Comment: The p.V1173M variant (also known as c.3517G>A), located in coding exon 15 of the APC gene, results from a G to A substitution at nucleotide position 3517. The valine at codon 1173 is replaced by methionine, an amino acid with highly similar properties. This amino acid position is well conserved in available vertebrate species. In addition, in silico predictors for this gene do not accurately predict pathogenicity. Missense alterations in APC are not a common cause of disease (Spier I et al. Genet Med. 2024 Feb;26(2):100992). Based on the available evidence, the clinical significance of this variant remains unclear.

Labcorp Genetics (formerly Invitae), Labcorp
Classification: Uncertain significance for Familial adenomatous polyposis 1. Last evaluated: 2024-02-07. Review status: criteria provided, single submitter. Criteria: Invitae Variant Classification Sherloc (09022015). Collection method: clinical testing. Allele origin: germline.
Comment: This sequence change replaces valine, which is neutral and non-polar, with methionine, which is neutral and non-polar, at codon 1173 of the APC protein (p.Val1173Met). This variant is not present in population databases (gnomAD no frequency). This variant has not been reported in the literature in individuals affected with APC-related conditions. ClinVar contains an entry for this variant (Variation ID: 823873). Advanced modeling of protein sequence and biophysical properties (such as structural, functional, and spatial information, amino acid conservation, physicochemical variation, residue mobility, and thermodynamic stability) performed at Invitae indicates that this missense variant is not expected to disrupt APC protein function with a negative predictive value of 95%. In summary, the available evidence is currently insufficient to determine the role of this variant in disease. Therefore, it has been classified as a Variant of Uncertain Significance.